The following is an entry in ClinVar:

ClinVar aggregate classification (germline): Likely benign. Review status: criteria provided, multiple submitters, no conflicts (2 of 4 stars). 2 submissions from 2 submitters: Likely benign (2). Last evaluated 2024-02-24.

Conditions:
Familial sleep-related hypermotor epilepsy. Also called: Autosomal Dominant Sleep-Related Hypermotor (Hyperkinetic) Epilepsy. Identifiers: Orphanet 98784, MedGen C3696898, MONDO:0000030.

Allele frequency attached by ClinVar (database versions not stated): ExAC 0.00001; ESP Exome Variant Server 0.00008; gnomAD exomes 0.00001; gnomAD 0.00003; TOPMed 0.00003.

Submissions (2):

Labcorp Genetics (formerly Invitae), Labcorp
Classification: Likely benign. Last evaluated: 2024-02-24. Review status: criteria provided, single submitter. Criteria: Invitae Variant Classification Sherloc (09022015). Collection method: clinical testing. Allele origin: germline.

GeneDx
Classification: Likely benign. Last evaluated: 2018-04-06. Review status: criteria provided, single submitter. Criteria: GeneDx Variant Classification (06012015). Collection method: clinical testing. Allele origin: germline. Affected: yes.
Comment: This variant is considered likely benign or benign based on one or more of the following criteria: it is a conservative change, it occurs at a poorly conserved position in the protein, it is predicted to be benign by multiple in silico algorithms, and/or has population frequency not consistent with disease.

NM_000744.7(CHRNA4):c.501C>T (p.Phe167=)

Gene: CHRNA4 (cholinergic receptor nicotinic alpha 4 subunit; minus strand). Cytogenetic location: 20q13.33.
Variant type: single nucleotide variant.
Coding change: c.501C>T on transcript NM_000744.7 (MANE Select); coding-DNA position 501, C replaced by T.
Protein change: p.Phe167=; no amino-acid change (phenylalanine 167 retained).
Molecular consequence: synonymous variant. On other transcripts: 5 prime UTR variant (1), non-coding transcript variant (1).
Genome position (GRCh38, 1-based): chr20:63,350,910, G>A on the plus strand (C>T on the coding strand, the complement: CHRNA4 is on the minus strand). VCF-style: chr20-63350910-G-A. GRCh37 (hg19) VCF-style: chr20-61982262-G-A.
Other names: c.-28C>T (NM_001256573.2).
Identifiers: ClinVar variation 681517 (VCV000681517.10), dbSNP rs374602963, ClinGen allele CA9957792.